The following is an entry in ClinVar:

NM_004275.5(MED20):c.76C>T (p.Arg26Trp)

Genes: BYSL (bystin like; plus strand), MED20 (mediator complex subunit 20; minus strand), LOC126859675 (MED14-independent group 3 enhancer GRCh37_chr6:41884515-41885714; plus strand). Cytogenetic location: 6p21.1.
Variant type: single nucleotide variant.
Coding change: c.76C>T on transcript NM_004275.5 (MANE Select); coding-DNA position 76, C replaced by T.
Protein change: p.Arg26Trp; replaces arginine 26 with tryptophan.
Molecular consequence: missense variant. On other transcripts: 5 prime UTR variant (1), non-coding transcript variant (1), intron variant (1).
Genome position (GRCh38, 1-based): chr6:41,916,878, G>A on the plus strand (C>T on the coding strand, the complement: MED20 is on the minus strand). VCF-style: chr6-41916878-G-A. GRCh37 (hg19) VCF-style: chr6-41884616-G-A.
Other names: c.-227C>T (NM_001305456.2); c.76C>T, p.Arg26Trp (NM_001305457.2); c.-18+4127C>T (NM_001305455.2); c.76C>T (NM_004275.3); short protein forms R26W.
Identifiers: ClinVar variation 2202265 (VCV002202265.5), dbSNP rs148167617, ClinGen allele CA3803654.

ClinVar aggregate classification (germline): Uncertain significance. Review status: criteria provided, multiple submitters, no conflicts (2 of 4 stars). 2 submissions from 2 submitters: Uncertain significance (2). Last evaluated 2024-03-05.

Allele frequency attached by ClinVar (database versions not stated): gnomAD exomes 0.00004; gnomAD 0.00007; TOPMed 0.00013; ExAC 0.00015; ESP Exome Variant Server 0.00015.
gnomAD v4.1: 61 of 1,613,886 alleles (0.0038%); highest among the groups gnomAD compares: Middle Eastern, 0.033%; no homozygotes.

Submissions (2):

Ambry Genetics
Classification: Uncertain significance. Last evaluated: 2024-03-05. Review status: criteria provided, single submitter. Criteria: Ambry Variant Classification Scheme 2023. Collection method: clinical testing. Allele origin: germline.

Labcorp Genetics (formerly Invitae), Labcorp
Classification: Uncertain significance. Last evaluated: 2023-08-17. Review status: criteria provided, single submitter. Criteria: Invitae Variant Classification Sherloc (09022015). Collection method: clinical testing. Allele origin: germline.
Comment: In summary, the available evidence is currently insufficient to determine the role of this variant in disease. Therefore, it has been classified as a Variant of Uncertain Significance. An algorithm developed to predict the effect of missense changes on protein structure and function (PolyPhen-2) suggests that this variant is likely to be disruptive. ClinVar contains an entry for this variant (Variation ID: 2202265). This variant has not been reported in the literature in individuals affected with MED20-related conditions. This variant is present in population databases (rs148167617, gnomAD 0.06%), and has an allele count higher than expected for a pathogenic variant. This sequence change replaces arginine, which is basic and polar, with tryptophan, which is neutral and slightly polar, at codon 26 of the MED20 protein (p.Arg26Trp).